The following is an entry in ClinVar:

NM_173648.4(CCDC141):c.781G>C (p.Val261Leu)

Gene: CCDC141 (coiled-coil domain containing 141; minus strand). Cytogenetic location: 2q31.2.
Variant type: single nucleotide variant.
Coding change: c.781G>C on transcript NM_173648.4 (MANE Select); coding-DNA position 781, G replaced by C.
Protein change: p.Val261Leu; replaces valine 261 with leucine.
Molecular consequence: missense variant.
Genome position (GRCh38, 1-based): chr2:178,944,651, C>G on the plus strand (G>C on the coding strand, the complement: CCDC141 is on the minus strand). VCF-style: chr2-178944651-C-G. GRCh37 (hg19) VCF-style: chr2-179809378-C-G.
Other names: c.781G>C, p.Val261Leu (NM_001316745.2); short protein forms V261L.
Identifiers: ClinVar variation 788514 (VCV000788514.11), dbSNP rs61738855, ClinGen allele CA2007303.

ClinVar aggregate classification (germline): Benign. Review status: criteria provided, multiple submitters, no conflicts (2 of 4 stars). 3 submissions from 3 submitters: Benign (2). 1 of the submissions does not count toward it. Last evaluated 2025-12-24.

Conditions:
CCDC141-related disorder. Also called: CCDC141-related condition.

Allele frequency attached by ClinVar (database versions not stated): gnomAD exomes 0.00077 and 0.00187; ExAC 0.00172; 1000 Genomes Project 30x 0.00609; 1000 Genomes Project 0.00699; gnomAD 0.00701; TOPMed 0.00954.
gnomAD v4.1: 2,253 of 1,429,006 alleles (0.16%); highest among the groups gnomAD compares: African/African-American, 2.8%; 23 homozygotes.

Submissions (3):

Labcorp Genetics (formerly Invitae), Labcorp
Classification: Benign. Last evaluated: 2025-12-24. Review status: criteria provided, single submitter. Criteria: Invitae Variant Classification Sherloc (09022015). Collection method: clinical testing. Allele origin: germline.

Breakthrough Genomics
Classification: Benign. Review status: criteria provided, single submitter. Criteria: ACMG Guidelines, 2015. Collection method: not provided. Allele origin: germline. Inheritance: Unknown mechanism. Affected: yes.

PreventionGenetics, part of Exact Sciences
Classification: Benign for CCDC141-related condition. Last evaluated: 2024-03-21. Review status: no assertion criteria provided. Collection method: clinical testing. Allele origin: germline. Not counted in ClinVar's aggregate classification.
Comment: This variant is classified as benign based on ACMG/AMP sequence variant interpretation guidelines (Richards et al. 2015 PMID: 25741868, with internal and published modifications).